The following is an entry in ClinVar:

NM_032389.6(ARFGAP2):c.1216C>T (p.Arg406Trp)

Gene: ARFGAP2 (ARF GTPase activating protein 2; minus strand). Cytogenetic location: 11p11.2.
Variant type: single nucleotide variant.
Coding change: c.1216C>T on transcript NM_032389.6 (MANE Select); coding-DNA position 1216, C replaced by T.
Protein change: p.Arg406Trp; replaces arginine 406 with tryptophan.
Molecular consequence: missense variant.
Genome position (GRCh38, 1-based): chr11:47,166,876, G>A on the plus strand (C>T on the coding strand, the complement: ARFGAP2 is on the minus strand). VCF-style: chr11-47166876-G-A. GRCh37 (hg19) VCF-style: chr11-47188427-G-A.
Other names: c.1132C>T, p.Arg378Trp (NM_001242832.2); c.1258C>T, p.Arg420Trp (NM_001410995.1); short protein forms R378W, R406W, R420W.
Identifiers: ClinVar variation 3045169 (VCV003045169.2), dbSNP rs35950498, ClinGen allele CA5971332.

ClinVar aggregate classification (germline): Benign (0 of 4 stars; one submission).

Conditions:
ARFGAP2-related disorder. Also called: ARFGAP2-related condition.

Allele frequency attached by ClinVar (database versions not stated): ESP Exome Variant Server 0.00677; 1000 Genomes Project 0.00899; 1000 Genomes Project 30x 0.00968.
gnomAD v4.1: 2,266 of 1,613,546 alleles (0.14%); highest among the groups gnomAD compares: African/African-American, 1.8%; 21 homozygotes.

Submission:

PreventionGenetics, part of Exact Sciences
Classification: Benign for ARFGAP2-related condition. Last evaluated: 2019-10-04. Review status: no assertion criteria provided. Collection method: clinical testing. Allele origin: germline.
Comment: This variant is classified as benign based on ACMG/AMP sequence variant interpretation guidelines (Richards et al. 2015 PMID: 25741868, with internal and published modifications).